The following is an entry in ClinVar:

ClinVar aggregate classification (germline): Uncertain significance (1 of 4 stars; one submission).

Submission:

GeneDx
Classification: Uncertain significance. Last evaluated: 2022-02-18. Review status: criteria provided, single submitter. Criteria: GeneDx Variant Classification Process June 2021. Collection method: clinical testing. Allele origin: germline. Affected: yes.
Comment: Not observed at significant frequency in large population cohorts (gnomAD); In silico analysis supports that this missense variant has a deleterious effect on protein structure/function; Splicing prediction indicates that there is significant damage to the natural splice site, or there is gain of a relevant cryptic site; Has not been previously published as pathogenic or benign to our knowledge

NM_001042603.3(KDM5A):c.1124C>A (p.Ser375Tyr)

Gene: KDM5A (lysine demethylase 5A; minus strand). Cytogenetic location: 12p13.33.
Variant type: single nucleotide variant.
Coding change: c.1124C>A on transcript NM_001042603.3 (MANE Select); coding-DNA position 1124, C replaced by A.
Protein change: p.Ser375Tyr; replaces serine 375 with tyrosine.
Molecular consequence: missense variant.
Genome position (GRCh38, 1-based): chr12:352,230, G>T on the plus strand (C>A on the coding strand, the complement: KDM5A is on the minus strand). VCF-style: chr12-352230-G-T. GRCh37 (hg19) VCF-style: chr12-461396-G-T.
Other names: short protein forms S375Y.
Identifiers: ClinVar variation 1702565 (VCV001702565.2), dbSNP rs2137451496, ClinGen allele CA383621706.